The following is an entry in ClinVar:

NM_000182.5(HADHA):c.1479+1G>T

Genes: HADHA (hydroxyacyl-CoA dehydrogenase trifunctional multienzyme complex subunit alpha; minus strand), GAREM2 (GRB2 associated regulator of MAPK1 subtype 2; plus strand). Cytogenetic location: 2p23.3.
Variant type: single nucleotide variant.
Coding change: c.1479+1G>T on transcript NM_000182.5 (MANE Select); the canonical splice donor site of the intron after coding-DNA position 1479, G replaced by T.
Molecular consequence: splice donor variant.
Genome position (GRCh38, 1-based): chr2:26,197,690, C>A on the plus strand (G>T on the coding strand, the complement: HADHA is on the minus strand). VCF-style: chr2-26197690-C-A. GRCh37 (hg19) VCF-style: chr2-26420559-C-A.
Identifiers: ClinVar variation 552402 (VCV000552402.10), dbSNP rs1290945516, ClinGen allele CA346123487.
Genomic context (GRCh38, chr2:26,197,690, plus strand): 5'-CCTTTATCAGTGAATCTGAAGCAATAAAACATCTCAGGGTTTTTCTCTGTTCCGAGTTTA[C>A]CTTCTCAGGTCTTTTGCTGACAGCAGCGATTTCACTGATTGGGAGAGCAGATGTGTTACT-3'

ClinVar aggregate classification (germline): Likely pathogenic. Review status: criteria provided, single submitter (1 of 4 stars). 2 submissions from 2 submitters: Likely pathogenic (1). 1 of the submissions does not count toward it. Last evaluated 2023-12-01.

Conditions:
Long chain 3-hydroxyacyl-CoA dehydrogenase deficiency. Also called: Deficiency of long-chain 3-hydroxyacyl-coenzyme A dehydrogenase; LCHAD Deficiency. Identifiers: Orphanet 5, MedGen C3711645, MONDO:0012173, OMIM 609016.
Mitochondrial trifunctional protein deficiency. Identifiers: Orphanet 746, MedGen C1969443, MONDO:0012172.

Allele frequency attached by ClinVar (database versions not stated): gnomAD exomes below 0.00001 and 0.00002.
gnomAD v4.1: 22 of 1,357,294 alleles (0.0016%); highest among the groups gnomAD compares: Non-Finnish European, 0.0023%; no homozygotes.

Submissions (2):

Labcorp Genetics (formerly Invitae), Labcorp
Classification: Likely pathogenic for Mitochondrial trifunctional protein deficiency; Long chain 3-hydroxyacyl-CoA dehydrogenase deficiency. Last evaluated: 2023-12-01. Review status: criteria provided, single submitter. Criteria: Invitae Variant Classification Sherloc (09022015). Collection method: clinical testing. Allele origin: germline.
Comment: This sequence change affects a donor splice site in intron 14 of the HADHA gene. It is expected to disrupt RNA splicing. Variants that disrupt the donor or acceptor splice site typically lead to a loss of protein function (PMID: 16199547), and loss-of-function variants in HADHA are known to be pathogenic (PMID: 7738175, 21103935, 21549624, 22459206). This variant is present in population databases (no rsID available, gnomAD 0.0009%). This variant has not been reported in the literature in individuals affected with HADHA-related conditions. ClinVar contains an entry for this variant (Variation ID: 552402). Algorithms developed to predict the effect of sequence changes on RNA splicing suggest that this variant may disrupt the consensus splice site. In summary, the currently available evidence indicates that the variant is pathogenic, but additional data are needed to prove that conclusively. Therefore, this variant has been classified as Likely Pathogenic.

Counsyl
Classification: Likely pathogenic for Long chain 3-hydroxyacyl-CoA dehydrogenase deficiency. Last evaluated: 2017-06-16. Review status: no assertion criteria provided. Collection method: clinical testing. Allele origin: unknown. Not counted in ClinVar's aggregate classification.

Literature cited by the submitters: PubMed 16199547 (cited by Labcorp Genetics (formerly Invitae), Labcorp); PubMed 7738175 (cited by Labcorp Genetics (formerly Invitae), Labcorp); PubMed 21103935 (cited by Labcorp Genetics (formerly Invitae), Labcorp); PubMed 21549624 (cited by Labcorp Genetics (formerly Invitae), Labcorp); PubMed 22459206 (cited by Labcorp Genetics (formerly Invitae), Labcorp).